The following is an entry in ClinVar:

NM_014423.4(AFF4):c.2198A>T (p.Glu733Val)

Gene: AFF4 (ALF transcription elongation factor 4; minus strand). Cytogenetic location: 5q31.1.
Variant type: single nucleotide variant.
Coding change: c.2198A>T on transcript NM_014423.4 (MANE Select); coding-DNA position 2198, A replaced by T.
Protein change: p.Glu733Val; replaces glutamic acid 733 with valine.
Molecular consequence: missense variant.
Genome position (GRCh38, 1-based): chr5:132,896,432, T>A on the plus strand (A>T on the coding strand, the complement: AFF4 is on the minus strand). VCF-style: chr5-132896432-T-A. GRCh37 (hg19) VCF-style: chr5-132232124-T-A.
Other names: short protein forms E733V.
Identifiers: ClinVar variation 2096846 (VCV002096846.4), dbSNP rs2532472858, ClinGen allele CA360933281.

ClinVar aggregate classification (germline): Uncertain significance (1 of 4 stars; one submission).

Conditions:
Cognitive impairment - coarse facies - heart defects - obesity - pulmonary involvement - short stature - skeletal dysplasia syndrome. Also called: COGNITIVE IMPAIRMENT, COARSE FACIES, HEART DEFECTS, OBESITY, PULMONARY INVOLVEMENT, SHORT STATURE, AND SKELETAL DYSPLASIA; Chops syndrome; AFF4-Related CHOPS Syndrome. Identifiers: Orphanet 444077, MedGen C4085597, MONDO:0014609, OMIM 616368.

Allele frequency attached by ClinVar (database versions not stated): gnomAD exomes below 0.00001.

Submission:

Labcorp Genetics (formerly Invitae), Labcorp
Classification: Uncertain significance for Cognitive impairment - coarse facies - heart defects - obesity - pulmonary involvement - short stature - skeletal dysplasia syndrome. Last evaluated: 2022-02-11. Review status: criteria provided, single submitter. Criteria: Invitae Variant Classification Sherloc (09022015). Collection method: clinical testing. Allele origin: germline.
Comment: In summary, the available evidence is currently insufficient to determine the role of this variant in disease. Therefore, it has been classified as a Variant of Uncertain Significance. This sequence change replaces glutamic acid, which is acidic and polar, with valine, which is neutral and non-polar, at codon 733 of the AFF4 protein (p.Glu733Val). This variant is not present in population databases (gnomAD no frequency). This variant has not been reported in the literature in individuals affected with AFF4-related conditions. Algorithms developed to predict the effect of missense changes on protein structure and function (SIFT, PolyPhen-2, Align-GVGD) all suggest that this variant is likely to be disruptive. Algorithms developed to predict the effect of sequence changes on RNA splicing suggest that this variant may create or strengthen a splice site.